The following is an entry in ClinVar:

NC_000023.10:g.(?_32481536)_(32614013_?)del

Gene: DMD (dystrophin; minus strand). Cytogenetic location: Xp21.1.
Variant type: Deletion.
Identifiers: ClinVar variation 3244584 (VCV003244584.1).

ClinVar aggregate classification (germline): Pathogenic (1 of 4 stars; one submission).

Conditions:
Duchenne muscular dystrophy (DMD). Also called: MUSCULAR DYSTROPHY, PSEUDOHYPERTROPHIC PROGRESSIVE, DUCHENNE TYPE; Duchenne Muscular Dystrophy (DMD). Identifiers: Orphanet 98896, MedGen C0013264, MONDO:0010679, OMIM 310200.

Submission:

Labcorp Genetics (formerly Invitae), Labcorp
Classification: Pathogenic for Duchenne muscular dystrophy. Last evaluated: 2022-12-17. Review status: criteria provided, single submitter. Criteria: Invitae Variant Classification Sherloc (09022015). Collection method: clinical testing. Allele origin: unknown.
Comment: For these reasons, this variant has been classified as Pathogenic. The region of the DMD gene that includes exon(s) 13 has been determined to be clinically significant (PMID: 18353051, 22379338, 28116794, 28610567). Therefore, deletions that encompass that region are likely to be disease-causing. A similar copy number variant has been observed in individual(s) with Duchenne muscular dystrophy (Invitae). This variant is a gross deletion of the genomic region encompassing exon(s) 13-25 of the DMD gene. This variant would be expected to be in-frame, preserving the integrity of the reading frame.

Literature cited by the submitters: PubMed 18353051; PubMed 22379338; PubMed 28116794; PubMed 28610567.